The following is an entry in ClinVar:

ClinVar aggregate classification (germline): Uncertain significance (1 of 4 stars; one submission).

Conditions:
Desbuquois dysplasia 1 (DBQD1). Also called: DESBUQUOIS DYSPLASIA 1, KIM VARIANT; MICROMELIC DWARFISM WITH VERTEBRAL AND METAPHYSEAL ABNORMALITIES AND ADVANCED CARPOTARSAL OSSIFICATION. Identifiers: Orphanet 1425, MedGen C4012146, MONDO:0009629, OMIM 251450.

gnomAD v4.1: 19 of 1,518,216 alleles (0.0013%); highest among the groups gnomAD compares: South Asian, 0.024%; 1 homozygote.

Submission:

Labcorp Genetics (formerly Invitae), Labcorp
Classification: Uncertain significance for Desbuquois dysplasia 1. Last evaluated: 2025-03-10. Review status: criteria provided, single submitter. Criteria: Invitae Variant Classification Sherloc (09022015). Collection method: clinical testing. Allele origin: germline.
Comment: This sequence change replaces glutamic acid, which is acidic and polar, with aspartic acid, which is acidic and polar, at codon 282 of the XYLT1 protein (p.Glu282Asp). This variant is present in population databases (rs766481239, gnomAD 0.01%). This variant has not been reported in the literature in individuals affected with XYLT1-related conditions. Invitae Evidence Modeling of protein sequence and biophysical properties (such as structural, functional, and spatial information, amino acid conservation, physicochemical variation, residue mobility, and thermodynamic stability) indicates that this missense variant is not expected to disrupt XYLT1 protein function with a negative predictive value of 80%. In summary, the available evidence is currently insufficient to determine the role of this variant in disease. Therefore, it has been classified as a Variant of Uncertain Significance.

NM_022166.4(XYLT1):c.846G>C (p.Glu282Asp)

Gene: XYLT1 (xylosyltransferase 1; minus strand). Cytogenetic location: 16p12.3.
Variant type: single nucleotide variant.
Coding change: c.846G>C on transcript NM_022166.4 (MANE Select); coding-DNA position 846, G replaced by C.
Protein change: p.Glu282Asp; replaces glutamic acid 282 with aspartic acid.
Molecular consequence: missense variant.
Genome position (GRCh38, 1-based): chr16:17,259,055, C>G on the plus strand (G>C on the coding strand, the complement: XYLT1 is on the minus strand). VCF-style: chr16-17259055-C-G. GRCh37 (hg19) VCF-style: chr16-17352912-C-G.
Other names: short protein forms E282D.
Identifiers: ClinVar variation 3694726 (VCV003694726.2).